The following is an entry in ClinVar:

NM_130839.5(UBE3A):c.1782del (p.Lys594fs)

Genes: SNHG14 (small nucleolar RNA host gene 14; plus strand), UBE3A (ubiquitin protein ligase E3A; minus strand). Cytogenetic location: 15q11.2.
Variant type: Deletion.
Coding change: c.1782del on transcript NM_130839.5 (MANE Select); coding-DNA position 1782, one base deleted (A; older notation c.1782delA).
Protein change: p.Lys594fs; shifts the reading frame from lysine 594.
Molecular consequence: frameshift variant. On other transcripts: non-coding transcript variant (1).
Genome position (GRCh38, 1-based): chr15:25,356,868, T deleted on the plus strand (A on the coding strand, the reverse complement: UBE3A is on the minus strand); the first of 4 consecutive T bases (chr15:25,356,868-25,356,871); deleting any one gives the same sequence. VCF-style (leftmost placement, unchanged base first): chr15-25356867-AT-A. GRCh37 (hg19) VCF-style: chr15-25602014-AT-A.
Other names: c.1791del, p.Lys597fs (NM_000462.5); c.1782del, p.Lys594fs (NM_001354505.1, NM_001354538.2, NM_001354545.2); c.1722del, p.Lys574fs (NM_001354506.2, NM_001354507.2, NM_001354508.2 and 17 more transcripts); c.1605del, p.Lys535fs (NM_001354546.2); c.531del, p.Lys177fs (NM_001354550.2); c.471del, p.Lys157fs (NM_001354551.2); short protein forms K535fs, K157fs, K574fs, K594fs, K177fs, K597fs.
Identifiers: ClinVar variation 521487 (VCV000521487.7), dbSNP rs1555391286, ClinGen allele CA658798285.

ClinVar aggregate classification (germline): Pathogenic/Likely pathogenic. Review status: criteria provided, multiple submitters, no conflicts (2 of 4 stars). 2 submissions from 2 submitters: Pathogenic (1); Likely pathogenic (1). Last evaluated 2022-04-13.

Conditions:
Inborn genetic diseases. Identifiers: MedGen C0950123, MeSH D030342.
Angelman syndrome (AS). Also called: HAPPY PUPPET SYNDROME. Identifiers: Orphanet 72, MedGen C0162635, MONDO:0007113, OMIM 105830. Disease mechanism: loss of function. Inheritance: AS is caused by disruption of maternally imprinted UBE3A located within the 15q11.2-q13 Angelman syndrome/Prader-Willi syndrome (AS/PWS) region., imprinting disorder.

Submissions (2):

Greenwood Genetic Center Diagnostic Laboratories, Greenwood Genetic Center
Classification: Likely pathogenic for Angelman syndrome. Last evaluated: 2022-04-13. Review status: criteria provided, single submitter. Criteria: ACMG Guidelines, 2015. Collection method: clinical testing. Allele origin: germline. Affected: yes.
Comment: PVS1 PM2

Ambry Genetics
Classification: Pathogenic for Inborn genetic diseases. Last evaluated: 2017-01-05. Review status: criteria provided, single submitter. Criteria: Ambry exome assertion method (8-5-2015). Collection method: clinical testing. Allele origin: germline. Affected: yes. Observed: 1 variant allele.